The following is an entry in ClinVar:

ClinVar aggregate classification (germline): Uncertain significance. Review status: criteria provided, multiple submitters, no conflicts (2 of 4 stars). 7 submissions from 7 submitters: Uncertain significance (7). Last evaluated 2026-05-01.

Conditions:
Epidermolysis bullosa simplex 5C, with pyloric atresia (EBS5C). Also called: PLEC-Related Epidermolysis Bullosa with Pyloric Atresia; Epidermolysis bullosa simplex with pyloric atresia; PLEC1-Related Epidermolysis Bullosa with Pyloric Atresia. Identifiers: Orphanet 158684, MedGen C2677349, MONDO:0012807, OMIM 612138.
Epidermolysis bullosa simplex 5B, with muscular dystrophy (EBS5B). Also called: EPIDERMOLYSIS BULLOSA SIMPLEX AND LIMB-GIRDLE MUSCULAR DYSTROPHY; Epidermolysis bullosa simplex with muscular dystrophy. Identifiers: Orphanet 257, MedGen C2931072, MONDO:0009181, OMIM 226670.
Autosomal recessive limb-girdle muscular dystrophy type 2Q (LGMDR17). Also called: MUSCULAR DYSTROPHY, LIMB-GIRDLE, AUTOSOMAL RECESSIVE 17. Identifiers: Orphanet 254361, MedGen C3150989, MONDO:0013390, OMIM 613723.
Epidermolysis bullosa simplex with nail dystrophy (EBS5D). Identifiers: MedGen C4225309, MONDO:0014661, OMIM 616487.
Epidermolysis bullosa simplex, Ogna type (EBS5A). Also called: Pidermolysis bullosa simplex 5A, Ogna type; EPIDERMOLYSIS BULLOSA SIMPLEX 5A, OGNA TYPE. Identifiers: Orphanet 79401, MedGen C0432317, MONDO:0007555, OMIM 131950.
PLEC-related disorder. Also called: PLEC-related disorders; PLEC-related condition.
Inborn genetic diseases. Identifiers: MedGen C0950123, MeSH D030342.

Allele frequency attached by ClinVar (database versions not stated): gnomAD 0.00006 and 0.00007; TOPMed 0.00007; ExAC 0.00014; 1000 Genomes Project 30x 0.00016; ESP Exome Variant Server 0.00017; 1000 Genomes Project 0.00020.
gnomAD v4.1: 206 of 1,593,822 alleles (0.013%); highest among the groups gnomAD compares: South Asian, 0.028%; no homozygotes.

Submissions (7):

CeGaT Center for Human Genetics Tuebingen
Classification: Uncertain significance. Last evaluated: 2026-05-01. Review status: criteria provided, single submitter. Criteria: CeGaT Center For Human Genetics Tuebingen Variant Classification Criteria Version 2. Collection method: clinical testing. Allele origin: germline. Affected: yes. Observed: 3 variant alleles.
Comment: PLEC: PM2, BP4

PreventionGenetics, part of Exact Sciences
Classification: Uncertain significance for PLEC-related condition. Last evaluated: 2026-03-10. Review status: criteria provided, single submitter. Criteria: ACMG Guidelines, 2015. Collection method: clinical testing. Allele origin: germline.
Comment: The PLEC c.11723G>A variant is predicted to result in the amino acid substitution p.Arg3908His. To our knowledge, this variant has not been reported in the literature. This variant is reported in 0.036% of alleles in individuals of South Asian descent in gnomAD. At this time, the clinical significance of this variant is uncertain due to the absence of conclusive functional and genetic evidence.

Labcorp Genetics (formerly Invitae), Labcorp
Classification: Uncertain significance for Autosomal recessive limb-girdle muscular dystrophy type 2Q; Epidermolysis bullosa simplex, Ogna type; Epidermolysis bullosa simplex with nail dystrophy; Epidermolysis bullosa simplex 5C, with pyloric atresia; Epidermolysis bullosa simplex 5B, with muscular dystrophy. Last evaluated: 2026-01-12. Review status: criteria provided, single submitter. Criteria: Invitae Variant Classification Sherloc (09022015). Collection method: clinical testing. Allele origin: germline.
Comment: This sequence change replaces arginine, which is basic and polar, with histidine, which is basic and polar, at codon 3908 of the PLEC protein (p.Arg3908His). This variant is present in population databases (rs199504789, gnomAD 0.04%). This variant has not been reported in the literature in individuals affected with PLEC-related conditions. ClinVar contains an entry for this variant (Variation ID: 502241). Invitae Evidence Modeling of protein sequence and biophysical properties (such as structural, functional, and spatial information, amino acid conservation, physicochemical variation, residue mobility, and thermodynamic stability) indicates that this missense variant is not expected to disrupt PLEC protein function with a negative predictive value of 80%. In summary, the available evidence is currently insufficient to determine the role of this variant in disease. Therefore, it has been classified as a Variant of Uncertain Significance.

Ambry Genetics
Classification: Uncertain significance for Inborn genetic diseases. Last evaluated: 2025-04-08. Review status: criteria provided, single submitter. Criteria: Ambry Variant Classification Scheme 2023. Collection method: clinical testing. Allele origin: germline.

Blueprint Genetics
Classification: Uncertain significance. Last evaluated: 2024-11-06. Review status: criteria provided, single submitter. Criteria: ACMG Guidelines, 2015. Collection method: clinical testing. Allele origin: germline.

Revvity Omics, Revvity
Classification: Uncertain significance. Last evaluated: 2023-02-09. Review status: criteria provided, single submitter. Criteria: ACMG Guidelines, 2015. Collection method: clinical testing. Allele origin: germline.

Eurofins Ntd Llc (ga)
Classification: Uncertain significance. Last evaluated: 2017-12-05. Review status: criteria provided, single submitter. Criteria: EGL Classification Definitions 2015. Collection method: clinical testing. Allele origin: germline. Observed: 2 variant alleles, 2 heterozygotes.

NM_201384.3(PLEC):c.11642G>A (p.Arg3881His)

Gene: PLEC (plectin; minus strand). Cytogenetic location: 8q24.3.
Variant type: single nucleotide variant.
Coding change: c.11642G>A on transcript NM_201384.3 (MANE Select); coding-DNA position 11642, G replaced by A.
Protein change: p.Arg3881His; replaces arginine 3881 with histidine.
Molecular consequence: missense variant.
Genome position (GRCh38, 1-based): chr8:143,918,179, C>T on the plus strand (G>A on the coding strand, the complement: PLEC is on the minus strand). VCF-style: chr8-143918179-C-T. GRCh37 (hg19) VCF-style: chr8-144992347-C-T.
Other names: c.11723G>A, p.Arg3908His (NM_000445.5); c.11600G>A, p.Arg3867His (NM_201378.4); c.11576G>A, p.Arg3859His (NM_201379.3); c.12053G>A, p.Arg4018His (NM_201380.4); c.11546G>A, p.Arg3849His (NM_201381.3); c.11642G>A, p.Arg3881His (NM_201382.4); c.11654G>A, p.Arg3885His (NM_201383.3); c.11723G>A (NM_000445.3); short protein forms R3849H, R3859H, R3867H, R3881H, R3885H, R3908H, R4018H.
Identifiers: ClinVar variation 502241 (VCV000502241.42), dbSNP rs199504789, ClinGen allele CA4924279.